The following is an entry in ClinVar:

NM_000744.7(CHRNA4):c.950T>A (p.Val317Asp)

Gene: CHRNA4 (cholinergic receptor nicotinic alpha 4 subunit; minus strand). Cytogenetic location: 20q13.33.
Variant type: single nucleotide variant.
Coding change: c.950T>A on transcript NM_000744.7 (MANE Select); coding-DNA position 950, T replaced by A.
Protein change: p.Val317Asp; replaces valine 317 with aspartic acid.
Molecular consequence: missense variant. On other transcripts: non-coding transcript variant (1).
Genome position (GRCh38, 1-based): chr20:63,350,461, A>T on the plus strand (T>A on the coding strand, the complement: CHRNA4 is on the minus strand). VCF-style: chr20-63350461-A-T. GRCh37 (hg19) VCF-style: chr20-61981813-A-T.
Other names: c.422T>A, p.Val141Asp (NM_001256573.2); short protein forms V141D, V317D.
Identifiers: ClinVar variation 968755 (VCV000968755.9), dbSNP rs2068575976, ClinGen allele CA409635978.

ClinVar aggregate classification (germline): Uncertain significance (1 of 4 stars; one submission).

Conditions:
Familial sleep-related hypermotor epilepsy. Also called: Autosomal Dominant Sleep-Related Hypermotor (Hyperkinetic) Epilepsy. Identifiers: Orphanet 98784, MedGen C3696898, MONDO:0000030.

Submission:

Labcorp Genetics (formerly Invitae), Labcorp
Classification: Uncertain significance. Last evaluated: 2019-11-11. Review status: criteria provided, single submitter. Criteria: Invitae Variant Classification Sherloc (09022015). Collection method: clinical testing. Allele origin: germline.
Comment: In summary, the available evidence is currently insufficient to determine the role of this variant in disease. Therefore, it has been classified as a Variant of Uncertain Significance. Algorithms developed to predict the effect of missense changes on protein structure and function are either unavailable or do not agree on the potential impact of this missense change (SIFT: "Deleterious"; PolyPhen-2: "Probably Damaging"; Align-GVGD: "Class C15"). This variant has not been reported in the literature in individuals with CHRNA4-related conditions. This variant is not present in population databases (ExAC no frequency). This sequence change replaces valine with aspartic acid at codon 317 of the CHRNA4 protein (p.Val317Asp). The valine residue is highly conserved and there is a large physicochemical difference between valine and aspartic acid.